The following is an entry in ClinVar:

ClinVar aggregate classification (germline): Likely benign. Review status: criteria provided, multiple submitters, no conflicts (2 of 4 stars). 2 submissions from 2 submitters: Likely benign (2). Last evaluated 2025-10-23.

Conditions:
Dilated cardiomyopathy 1G (CMD1G). Identifiers: Orphanet 154, MedGen C1858763, MONDO:0011400, OMIM 604145.
Autosomal recessive limb-girdle muscular dystrophy type 2J (LGMDR10). Also called: Limb-girdle muscular dystrophy, type 2J; MUSCULAR DYSTROPHY, LIMB-GIRDLE, AUTOSOMAL RECESSIVE 10. Identifiers: Orphanet 140922, MedGen C1837342, MONDO:0012127, OMIM 608807.

Allele frequency attached by ClinVar (database versions not stated): ExAC 0.00001; gnomAD exomes 0.00001; gnomAD 0.00003 and 0.00004; TOPMed 0.00003.
gnomAD v4.1: 12 of 1,613,674 alleles (0.00074%); highest among the groups gnomAD compares: Admixed American, 0.012%; no homozygotes.

Submissions (2):

Labcorp Genetics (formerly Invitae), Labcorp
Classification: Likely benign for Dilated cardiomyopathy 1G; Autosomal recessive limb-girdle muscular dystrophy type 2J. Last evaluated: 2025-10-23. Review status: criteria provided, single submitter. Criteria: Invitae Variant Classification Sherloc (09022015). Collection method: clinical testing. Allele origin: germline.

Laboratory for Molecular Medicine, Mass General Brigham Personalized Medicine
Classification: Likely benign. Last evaluated: 2012-10-08. Review status: criteria provided, single submitter. Criteria: LMM Criteria. Collection method: clinical testing. Allele origin: germline. Observed: 1 variant allele.
Comment: Pro8970Pro in exon 108 of TTN: This variant is not expected to have clinical sig nificance because it does not alter an amino acid residue and is not located wit hin the splice consensus sequence. Pro8970Pro in exon 108 of TTN (allele frequ ency = n/a)

NM_001267550.2(TTN):c.30642A>G (p.Pro10214=)

Gene: TTN (titin; minus strand). Cytogenetic location: 2q31.2.
Variant type: single nucleotide variant.
Coding change: c.30642A>G on transcript NM_001267550.2 (MANE Select); coding-DNA position 30642, A replaced by G.
Protein change: p.Pro10214=; no amino-acid change (proline 10214 retained).
Molecular consequence: synonymous variant. On other transcripts: intron variant (3).
Genome position (GRCh38, 1-based): chr2:178,701,160, T>C on the plus strand (A>G on the coding strand, the complement: TTN is on the minus strand). VCF-style: chr2-178701160-T-C. GRCh37 (hg19) VCF-style: chr2-179565887-T-C.
Other names: c.29691A>G, p.Pro9897= (NM_001256850.1); c.13282+36922A>G (NM_003319.4); c.13858+36922A>G (NM_133437.4); c.13657+36922A>G (NM_133432.3); c.26910A>G, p.Pro8970= (NM_133378.4).
Identifiers: ClinVar variation 46840 (VCV000046840.14), dbSNP rs397517533, ClinGen allele CA139325.